The following is an entry in ClinVar:

NM_004990.4(MARS1):c.913A>G (p.Thr305Ala)

Gene: MARS1 (methionyl-tRNA synthetase 1; plus strand). Cytogenetic location: 12q13.3.
Variant type: single nucleotide variant.
Coding change: c.913A>G on transcript NM_004990.4 (MANE Select); coding-DNA position 913, A replaced by G.
Protein change: p.Thr305Ala; replaces threonine 305 with alanine.
Molecular consequence: missense variant.
Genome position (GRCh38, 1-based): chr12:57,498,445, A>G. VCF-style: chr12-57498445-A-G. GRCh37 (hg19) VCF-style: chr12-57892228-A-G.
Other names: p.Thr305Ala; short protein forms T305A.
Identifiers: ClinVar variation 3380110 (VCV003380110.1).

ClinVar aggregate classification (germline): Uncertain significance (1 of 4 stars; one submission).

Submission:

Mayo Clinic Laboratories, Mayo Clinic
Classification: Uncertain significance. Last evaluated: 2023-10-13. Review status: criteria provided, single submitter. Criteria: ACMG Guidelines, 2015. Collection method: clinical testing. Allele origin: germline. Observed: 1 variant allele.
Comment: BP4, PM2_moderate